The following is an entry in ClinVar:

NM_019066.5(MAGEL2):c.2153C>A (p.Ser718Ter)

Gene: MAGEL2 (MAGE family member L2; minus strand). Cytogenetic location: 15q11.2.
Variant type: single nucleotide variant.
Coding change: c.2153C>A on transcript NM_019066.5 (MANE Select); coding-DNA position 2153, C replaced by A.
Protein change: p.Ser718Ter; replaces serine 718 with a stop codon.
Molecular consequence: nonsense.
Genome position (GRCh38, 1-based): chr15:23,645,590, G>T on the plus strand (C>A on the coding strand, the complement: MAGEL2 is on the minus strand). VCF-style: chr15-23645590-G-T. GRCh37 (hg19) VCF-style: chr15-23890737-G-T.
Other names: short protein forms S718*.
Identifiers: ClinVar variation 1071044 (VCV001071044.9), dbSNP rs2140714188, ClinGen allele CA391332571.

ClinVar aggregate classification (germline): Pathogenic (1 of 4 stars; one submission).

Submission:

Labcorp Genetics (formerly Invitae), Labcorp
Classification: Pathogenic. Last evaluated: 2017-11-21. Review status: criteria provided, single submitter. Criteria: Invitae Variant Classification Sherloc (09022015). Collection method: clinical testing. Allele origin: germline.
Comment: A different truncation (p.Trp958*) that lies downstream of this variant has been determined to be likely pathogenic (PMID: 27195816). This suggests that deletion of this region of the MAGEL2 protein is causative of disease. For these reasons, this variant has been classified as Pathogenic. This variant has not been reported in the literature in individuals with MAGEL2-related disease. This sequence change results in a premature translational stop signal in the MAGEL2 gene (p.Ser718*). While this is not anticipated to result in nonsense mediated decay, it is expected to delete the last 532 amino acids of the MAGEL2 protein. This variant is not present in population databases (ExAC no frequency).

Literature cited by the submitters: PubMed 27195816.